The following is an entry in ClinVar:

ClinVar aggregate classification (germline): Uncertain significance (1 of 4 stars; one submission).

Conditions:
Acyl-CoA oxidase deficiency. Also called: STRAIGHT-CHAIN ACYL-CoA OXIDASE DEFICIENCY; Peroxisomal acyl-CoA oxidase deficiency; Pseudoneonatal adrenoleukodystrophy. Identifiers: Orphanet 2971, MedGen C1849678, MONDO:0009919, OMIM 264470. Disease mechanism: loss of function.

Submission:

Labcorp Genetics (formerly Invitae), Labcorp
Classification: Uncertain significance for Acyl-CoA oxidase deficiency. Last evaluated: 2022-08-15. Review status: criteria provided, single submitter. Criteria: Invitae Variant Classification Sherloc (09022015). Collection method: clinical testing. Allele origin: germline.
Comment: This variant results in a copy number gain of the genomic region encompassing exon(s) 4-14 of the ACOX1 gene. This region includes the termination codon of the gene. This copy number gain extends beyond the assayed region for this gene and therefore may encompass additional genes. As the precise location of this event is unknown, it may be in tandem or it may be located elsewhere in the genome. This variant has not been reported in the literature in individuals affected with ACOX1-related conditions. Experimental studies and prediction algorithms are not available or were not evaluated, and the functional significance of this variant is currently unknown. In summary, the available evidence is currently insufficient to determine the role of this variant in disease. Therefore, it has been classified as a Variant of Uncertain Significance.

NC_000017.10:g.(?_73942829)_(73953667_?)dup

Gene: ACOX1 (acyl-CoA oxidase 1; minus strand). Cytogenetic location: 17q25.1.
Variant type: Duplication.
Identifiers: ClinVar variation 2425013 (VCV002425013.3).